The following is an entry in ClinVar:

ClinVar aggregate classification (germline): Pathogenic. Review status: reviewed by expert panel (3 of 4 stars). 5 submissions from 5 submitters: Pathogenic (1). 4 of the submissions do not count toward it. Last evaluated 2016-10-18.

Conditions:
Hereditary breast ovarian cancer syndrome. Also called: Hereditary breast and ovarian cancer syndrome (HBOC); Hereditary breast and ovarian cancer syndrome; Hereditary breast and ovarian cancer; Hereditary breast and/or ovarian cancer syndrome; Breast and ovarian cancer; BRCA1- and BRCA2-Associated Hereditary Breast and Ovarian Cancer. Identifiers: Orphanet 145, MedGen C0677776, MeSH D061325, MONDO:0003582. Disease mechanism: loss of function.
Breast-ovarian cancer, familial, susceptibility to, 1 (BROVCA1). Also called: OVARIAN CANCER, SUSCEPTIBILITY TO; BRCA1 Hereditary Breast and Ovarian Cancer. Identifiers: Orphanet 145, MedGen C2676676, MONDO:0011450, OMIM 604370. Disease mechanism: loss of function.

Submissions (5):

Evidence-based Network for the Interpretation of Germline Mutant Alleles (ENIGMA)
Classification: Pathogenic for Breast-ovarian cancer, familial, susceptibility to, 1. Last evaluated: 2016-10-18. Review status: reviewed by expert panel. Criteria: ENIGMA BRCA1/2 Classification Criteria (2015). Collection method: curation. Allele origin: germline.
Comment: Variant allele predicted to encode a truncated non-functional protein.

Clinical Genetics Laboratory, Skane University Hospital Lund
Classification: Pathogenic. Last evaluated: 2023-09-14. Review status: criteria provided, single submitter. Criteria: ACMG Guidelines, 2015. Collection method: clinical testing. Allele origin: germline. Affected: yes. Not counted in ClinVar's aggregate classification.

Labcorp Genetics (formerly Invitae), Labcorp
Classification: Pathogenic for Hereditary breast ovarian cancer syndrome. Last evaluated: 2019-08-22. Review status: criteria provided, single submitter. Criteria: Invitae Variant Classification Sherloc (09022015). Collection method: clinical testing. Allele origin: germline. Not counted in ClinVar's aggregate classification.
Comment: For these reasons, this variant has been classified as Pathogenic. Loss-of-function variants in BRCA1 are known to be pathogenic (PMID: 20104584). This variant has been observed in several individuals with a personal and/or family history of breast and/or ovarian cancer (PMID: 29446198). ClinVar contains an entry for this variant (Variation ID: 54568). This variant is not present in population databases (ExAC no frequency). This sequence change creates a premature translational stop signal (p.Asn810Thrfs*5) in the BRCA1 gene. It is expected to result in an absent or disrupted protein product.

Consortium of Investigators of Modifiers of BRCA1/2 (CIMBA), c/o University of Cambridge
Classification: Pathogenic for Breast-ovarian cancer, familial, susceptibility to, 1. Last evaluated: 2015-10-02. Review status: criteria provided, single submitter. Criteria: CIMBA Mutation Classification guidelines May 2016. Collection method: clinical testing. Allele origin: germline. Not counted in ClinVar's aggregate classification.

Research Molecular Genetics Laboratory, Women's College Hospital, University of Toronto
Classification: Pathogenic for Hereditary breast ovarian cancer syndrome. Last evaluated: 2014-01-31. Review status: no assertion criteria provided. Collection method: research. Allele origin: germline. Affected: yes. Study: The Canadian Open Genetics Repository (COGR). Not counted in ClinVar's aggregate classification.

Literature cited by the submitters: PubMed 20104584 (cited by Labcorp Genetics (formerly Invitae), Labcorp); PubMed 29446198 (cited by Labcorp Genetics (formerly Invitae), Labcorp).

NM_007294.4(BRCA1):c.2429del (p.Asn810fs)

Gene: BRCA1 (BRCA1 DNA repair associated; minus strand). Cytogenetic location: 17q21.31.
Variant type: Deletion.
Coding change: c.2429del on transcript NM_007294.4 (MANE Select); coding-DNA position 2429, one base deleted (A; older notation c.2429delA).
Protein change: p.Asn810fs; shifts the reading frame from asparagine 810.
Molecular consequence: frameshift variant. On other transcripts: intron variant (137).
Genome position (GRCh38, 1-based): chr17:43,093,102, T deleted on the plus strand (A on the coding strand, the reverse complement: BRCA1 is on the minus strand); the first of 4 consecutive T bases (chr17:43,093,102-43,093,105); deleting any one gives the same sequence. VCF-style (leftmost placement, unchanged base first): chr17-43093101-GT-G. GRCh37 (hg19) VCF-style: chr17-41245118-GT-G.
Other names: 2548delA; c.2429delA (NM_007294.3); c.2426del, p.Asn809fs (NM_001407591.1, NM_001407610.1, NM_001407611.1 and 22 more transcripts); c.2429del, p.Asn810fs (NM_001407593.1, NM_001407594.1, NM_001407596.1 and 30 more transcripts); c.2420del, p.Asn807fs (NM_001407646.1, NM_001407647.1); c.2306del, p.Asn769fs (NM_001407648.1, NM_001407664.1, NM_001407665.1 and 19 more transcripts); c.2303del, p.Asn768fs (NM_001407649.1, NM_001407670.1, NM_001407671.1 and 11 more transcripts); c.2351del, p.Asn784fs (NM_001407653.1, NM_001407654.1, NM_001407655.1 and 4 more transcripts); and 43 more; short protein forms N810fs, N763fs, N514fs, N722fs, N742fs, N743fs, N762fs, N768fs.
Identifiers: ClinVar variation 54568 (VCV000054568.16), dbSNP rs397508967, ClinGen allele CA001622.